The following is an entry in ClinVar:

ClinVar aggregate classification (germline): Uncertain significance (1 of 4 stars; one submission).

Conditions:
Epilepsy. Also called: Seizure disorder. Identifiers: MedGen C0014544, MeSH D004827, MONDO:0005027.

Allele frequency attached by ClinVar (database versions not stated): gnomAD exomes below 0.00001.

Submission:

Labcorp Genetics (formerly Invitae), Labcorp
Classification: Uncertain significance for Epilepsy. Last evaluated: 2022-07-06. Review status: criteria provided, single submitter. Criteria: Invitae Variant Classification Sherloc (09022015). Collection method: clinical testing. Allele origin: germline.
Comment: This sequence change replaces proline, which is neutral and non-polar, with serine, which is neutral and polar, at codon 39 of the PIGQ protein (p.Pro39Ser). In summary, the available evidence is currently insufficient to determine the role of this variant in disease. Therefore, it has been classified as a Variant of Uncertain Significance. Algorithms developed to predict the effect of missense changes on protein structure and function are either unavailable or do not agree on the potential impact of this missense change (SIFT: "Tolerated"; PolyPhen-2: "Probably Damaging"; Align-GVGD: "Class C0"). This variant has not been reported in the literature in individuals affected with PIGQ-related conditions. This variant is not present in population databases (gnomAD no frequency).

NM_004204.5(PIGQ):c.115C>T (p.Pro39Ser)

Gene: PIGQ (phosphatidylinositol glycan anchor biosynthesis class Q; plus strand). Cytogenetic location: 16p13.3.
Variant type: single nucleotide variant.
Coding change: c.115C>T on transcript NM_004204.5 (MANE Select); coding-DNA position 115, C replaced by T.
Protein change: p.Pro39Ser; replaces proline 39 with serine.
Molecular consequence: missense variant.
Genome position (GRCh38, 1-based): chr16:574,189, C>T. VCF-style: chr16-574189-C-T. GRCh37 (hg19) VCF-style: chr16-624189-C-T.
Other names: c.115C>T, p.Pro39Ser (NM_148920.4); short protein forms P39S.
Identifiers: ClinVar variation 2088536 (VCV002088536.4), dbSNP rs2505930729, ClinGen allele CA394045772.